The following is an entry in ClinVar:

NM_001364905.1(LRBA):c.1307C>T (p.Pro436Leu)

Gene: LRBA (LPS responsive beige-like anchor protein; minus strand). Cytogenetic location: 4q31.3.
Variant type: single nucleotide variant.
Coding change: c.1307C>T on transcript NM_001364905.1 (MANE Select); coding-DNA position 1307, C replaced by T.
Protein change: p.Pro436Leu; replaces proline 436 with leucine.
Molecular consequence: missense variant.
Genome position (GRCh38, 1-based): chr4:150,908,712, G>A on the plus strand (C>T on the coding strand, the complement: LRBA is on the minus strand). VCF-style: chr4-150908712-G-A. GRCh37 (hg19) VCF-style: chr4-151829864-G-A.
Other names: c.1307C>T, p.Pro436Leu (NM_001199282.3, NM_001367550.1, NM_006726.5); short protein forms P436L.
Identifiers: ClinVar variation 834342 (VCV000834342.7), dbSNP rs1731617598, ClinGen allele CA358433556.
Genomic context (GRCh38, chr4:150,908,712, plus strand): 5'-GTTAGTACCTGGAGCATGAGTGCATGTGGTGAATGAACAAAAATTGAAGGGTTGTCCTTA[G>A]GAGATGATTCAAGACAAAGCTGGGCATCTGTAGCCCGTGGATTGTACGTGAATGCAATGG-3'
Protein context (NP_001351834.1, residues 426-446): TDAQLCLESS[Pro436Leu]KDNPSIFVHS

ClinVar aggregate classification (germline): Uncertain significance (1 of 4 stars; one submission).

Conditions:
Combined immunodeficiency due to LRBA deficiency. Also called: Common variable immunodeficiency 8, with autoimmunity. Identifiers: Orphanet 445018, MedGen C3553512, MONDO:0013863, OMIM 614700.

Allele frequency attached by ClinVar (database versions not stated): gnomAD exomes below 0.00001; TOPMed below 0.00001; gnomAD 0.00001.
gnomAD v4.1: 4 of 1,613,914 alleles (0.00025%); highest among the groups gnomAD compares: Admixed American, 0.0033%; no homozygotes.

Submission:

Labcorp Genetics (formerly Invitae), Labcorp
Classification: Uncertain significance for Combined immunodeficiency due to LRBA deficiency. Last evaluated: 2023-12-06. Review status: criteria provided, single submitter. Criteria: Invitae Variant Classification Sherloc (09022015). Collection method: clinical testing. Allele origin: germline.
Comment: This sequence change replaces proline, which is neutral and non-polar, with leucine, which is neutral and non-polar, at codon 436 of the LRBA protein (p.Pro436Leu). This variant is not present in population databases (gnomAD no frequency). This variant has not been reported in the literature in individuals affected with LRBA-related conditions. ClinVar contains an entry for this variant (Variation ID: 834342). Advanced modeling of protein sequence and biophysical properties (such as structural, functional, and spatial information, amino acid conservation, physicochemical variation, residue mobility, and thermodynamic stability) performed at Invitae indicates that this missense variant is expected to disrupt LRBA protein function with a positive predictive value of 80%. In summary, the available evidence is currently insufficient to determine the role of this variant in disease. Therefore, it has been classified as a Variant of Uncertain Significance.